The following is an entry in ClinVar:

NM_153816.6(SNX14):c.61G>C (p.Gly21Arg)

Gene: SNX14 (sorting nexin 14; minus strand). Cytogenetic location: 6q14.3.
Variant type: single nucleotide variant.
Coding change: c.61G>C on transcript NM_153816.6 (MANE Select); coding-DNA position 61, G replaced by C.
Protein change: p.Gly21Arg; replaces glycine 21 with arginine.
Molecular consequence: missense variant. On other transcripts: 5 prime UTR variant (5), non-coding transcript variant (4), intron variant (9).
Genome position (GRCh38, 1-based): chr6:85,593,658, C>G on the plus strand (G>C on the coding strand, the complement: SNX14 is on the minus strand). VCF-style: chr6-85593658-C-G. GRCh37 (hg19) VCF-style: chr6-86303376-C-G.
Other names: c.61G>C, p.Gly21Arg (NM_001297614.3, NM_001350532.2, NM_001350533.2 and 8 more transcripts); c.-340G>C (NM_001350545.2); c.-959G>C (NM_001350548.2); c.-1091G>C (NM_001350550.2); c.-1006G>C (NM_001350551.2); c.-1123G>C (NM_001350552.2); c.-17+176G>C (NM_001350543.2, NM_001350539.2, NM_001350542.2 and 2 more transcripts); c.-261+176G>C (NM_001350546.2); and 2 more; short protein forms G21R.
Identifiers: ClinVar variation 4704294 (VCV004704294.1).

ClinVar aggregate classification (germline): Uncertain significance (1 of 4 stars; one submission).

gnomAD v4.1: 2 of 1,613,048 alleles (0.00012%); highest among the groups gnomAD compares: Non-Finnish European, 0.00017%; no homozygotes.

Submission:

Labcorp Genetics (formerly Invitae), Labcorp
Classification: Uncertain significance. Last evaluated: 2025-10-11. Review status: criteria provided, single submitter. Criteria: Invitae Variant Classification Sherloc (09022015). Collection method: clinical testing. Allele origin: germline.
Comment: This sequence change replaces glycine, which is neutral and non-polar, with arginine, which is basic and polar, at codon 21 of the SNX14 protein (p.Gly21Arg). This variant is not present in population databases (gnomAD no frequency). This variant has not been reported in the literature in individuals affected with SNX14-related conditions. An algorithm developed to predict the effect of missense changes on protein structure and function (PolyPhen-2) suggests that this variant is likely to be tolerated. In summary, the available evidence is currently insufficient to determine the role of this variant in disease. Therefore, it has been classified as a Variant of Uncertain Significance.